The following is an entry in ClinVar:

ClinVar aggregate classification (germline): Likely pathogenic (1 of 4 stars; one submission).

Submission:

Labcorp Genetics (formerly Invitae), Labcorp
Classification: Likely pathogenic. Last evaluated: 2023-06-23. Review status: criteria provided, single submitter. Criteria: Invitae Variant Classification Sherloc (09022015). Collection method: clinical testing. Allele origin: unknown.
Comment: In summary, the currently available evidence indicates that the variant is pathogenic, but additional data are needed to prove that conclusively. Therefore, this variant has been classified as Likely Pathogenic. This variant has not been reported in the literature in individuals affected with ITPR1-related conditions. This variant results in a copy number gain of the genomic region encompassing exon(s) 53-56 of the ITPR1 gene. While the exact position of this variant cannot be determined from the data, sub-genic copy number gains are generally in tandem (PMID: 25640679). This variant is predicted to be out-of-frame, and may result in an absent or disrupted protein product. Loss-of-function variants in ITPR1 are known to be pathogenic (PMID: 27108797).

Literature cited by the submitters: PubMed 25640679; PubMed 27108797.

NC_000003.11:g.(?_4854806)_(4859946_?)dup

Gene: ITPR1 (inositol 1,4,5-trisphosphate receptor type 1; plus strand). Cytogenetic location: 3p26.1.
Variant type: Duplication.
Identifiers: ClinVar variation 3246985 (VCV003246985.1).